The following is an entry in ClinVar:

NM_017563.5(IL17RD):c.1924G>C (p.Ala642Pro)

Genes: IL17RD (interleukin 17 receptor D; minus strand), LOC126806689 (BRD4-independent group 4 enhancer GRCh37_chr3:57131244-57132443; plus strand). Cytogenetic location: 3p14.3.
Variant type: single nucleotide variant.
Coding change: c.1924G>C on transcript NM_017563.5 (MANE Select); coding-DNA position 1924, G replaced by C.
Protein change: p.Ala642Pro; replaces alanine 642 with proline.
Molecular consequence: missense variant.
Genome position (GRCh38, 1-based): chr3:57,097,779, C>G on the plus strand (G>C on the coding strand, the complement: IL17RD is on the minus strand). VCF-style: chr3-57097779-C-G. GRCh37 (hg19) VCF-style: chr3-57131807-C-G.
Other names: c.1492G>C, p.Ala498Pro (NM_001318864.2); short protein forms A642P, A498P.
Identifiers: ClinVar variation 712460 (VCV000712460.12), dbSNP rs61740622, ClinGen allele CA2462624.

ClinVar aggregate classification (germline): Conflicting classifications of pathogenicity. Review status: criteria provided, conflicting classifications (1 of 4 stars). 4 submissions from 4 submitters: Uncertain significance (1); Benign (1); Likely benign (2). Last evaluated 2026-01-08.

Conditions:
Hypogonadotropic hypogonadism. Also called: Hypogonadotrophic hypogonadism; Isolated hypogonadotropic hypogonadism; Hypogonadotropic hypogonadism with or without anosmia; Low gonadotropins (secondary hypogonadism). Identifiers: Orphanet 432, MedGen C0271623, MONDO:0018555, HP:0000044.

Allele frequency attached by ClinVar (database versions not stated): ESP Exome Variant Server 0.01138; 1000 Genomes Project 0.01158; TOPMed 0.01168; 1000 Genomes Project 30x 0.01234.
gnomAD v4.1: 3,357 of 1,601,894 alleles (0.21%); highest among the groups gnomAD compares: African/African-American, 3.6%; 46 homozygotes.

Submissions (4):

Labcorp Genetics (formerly Invitae), Labcorp
Classification: Benign. Last evaluated: 2026-01-08. Review status: criteria provided, single submitter. Criteria: Invitae Variant Classification Sherloc (09022015). Collection method: clinical testing. Allele origin: germline.

Cambridge Genomics Laboratory, East Genomic Laboratory Hub, NHS Genomic Medicine Service
Classification: Uncertain significance for Hypogonadotropic hypogonadism. Last evaluated: 2025-07-03. Review status: criteria provided, single submitter. Criteria: ACGS Best Practice Guidelines for Variant Classification in Rare Disease 2020. Collection method: clinical testing. Allele origin: germline. Affected: yes.
Comment: BP4

GeneDx
Classification: Likely benign. Last evaluated: 2020-07-11. Review status: criteria provided, single submitter. Criteria: GeneDx Variant Classification Process June 2021. Collection method: clinical testing. Allele origin: germline. Affected: yes.

Breakthrough Genomics
Classification: Likely benign. Review status: criteria provided, single submitter. Criteria: ACMG Guidelines, 2015. Collection method: not provided. Allele origin: germline. Inheritance: Autosomal dominant inheritance. Affected: yes.